The following is an entry in ClinVar:

NM_020800.3(IFT80):c.743C>G (p.Ser248Trp)

Genes: TRIM59-IFT80 (TRIM59-IFT80 readthrough (NMD candidate); minus strand), IFT80 (intraflagellar transport 80; minus strand). Cytogenetic location: 3q25.33.
Variant type: single nucleotide variant.
Coding change: c.743C>G on transcript NM_020800.3 (MANE Select); coding-DNA position 743, C replaced by G.
Protein change: p.Ser248Trp; replaces serine 248 with tryptophan.
Molecular consequence: missense variant. On other transcripts: non-coding transcript variant (3).
Genome position (GRCh38, 1-based): chr3:160,356,047, G>C on the plus strand (C>G on the coding strand, the complement: IFT80 is on the minus strand). VCF-style: chr3-160356047-G-C. GRCh37 (hg19) VCF-style: chr3-160073835-G-C.
Other names: c.332C>G, p.Ser111Trp (NM_001190241.2, NM_001190242.2); short protein forms S111W, S248W.
Identifiers: ClinVar variation 1007196 (VCV001007196.8), dbSNP rs754764834, ClinGen allele CA2685385.

ClinVar aggregate classification (germline): Uncertain significance (1 of 4 stars; one submission).

Conditions:
Jeune thoracic dystrophy. Also called: Jeune syndrome; Infantile thoracic dystrophy; Thoracic pelvic phalangeal dystrophy; Jeune's syndrome; Chondroectodermal dysplasia-like syndrome; Short-rib thoracic dysplasia. Identifiers: Orphanet 474, MedGen C0265275, MONDO:0018770.

gnomAD v4.1: 1 of 1,614,002 alleles (0.000062%); highest among the groups gnomAD compares: Non-Finnish European, 0.000085%; no homozygotes.

Submission:

Labcorp Genetics (formerly Invitae), Labcorp
Classification: Uncertain significance for Jeune thoracic dystrophy. Last evaluated: 2022-07-12. Review status: criteria provided, single submitter. Criteria: Invitae Variant Classification Sherloc (09022015). Collection method: clinical testing. Allele origin: germline.
Comment: In summary, the available evidence is currently insufficient to determine the role of this variant in disease. Therefore, it has been classified as a Variant of Uncertain Significance. Algorithms developed to predict the effect of missense changes on protein structure and function (SIFT, PolyPhen-2, Align-GVGD) all suggest that this variant is likely to be disruptive. ClinVar contains an entry for this variant (Variation ID: 1007196). This variant has not been reported in the literature in individuals affected with IFT80-related conditions. This variant is present in population databases (rs754764834, gnomAD 0.0009%). This sequence change replaces serine, which is neutral and polar, with tryptophan, which is neutral and slightly polar, at codon 248 of the IFT80 protein (p.Ser248Trp).